The following is an entry in ClinVar:

NM_024164.6(TPSB2):c.226G>C (p.Val76Leu)

Gene: TPSB2 (tryptase beta 2; minus strand). Cytogenetic location: 16p13.3.
Variant type: single nucleotide variant.
Coding change: c.226G>C on transcript NM_024164.6 (MANE Select); coding-DNA position 226, G replaced by C.
Protein change: p.Val76Leu; replaces valine 76 with leucine.
Molecular consequence: missense variant.
Genome position (GRCh38, 1-based): chr16:1,229,573, C>G on the plus strand (G>C on the coding strand, the complement: TPSB2 is on the minus strand). VCF-style: chr16-1229573-C-G. GRCh37 (hg19) VCF-style: chr16-1279574-C-G.
Other names: short protein forms V76L.
Identifiers: ClinVar variation 403561 (VCV000403561.5), dbSNP rs199887053, ClinGen allele CA7803454.

ClinVar aggregate classification (germline): Benign. Review status: criteria provided, multiple submitters, no conflicts (2 of 4 stars). 2 submissions from 2 submitters: Benign (2). Last evaluated 2016-03-29.

Allele frequency attached by ClinVar (database versions not stated): gnomAD exomes 0.34735 and 0.40038; gnomAD 0.46133 and 0.46411; 1000 Genomes Project 30x 0.47377; 1000 Genomes Project 0.47604.
gnomAD v4.1: 537,310 of 1,320,564 alleles (41%); highest among the groups gnomAD compares: East Asian, 78%; 93,140 homozygotes.

Submissions (2):

Laboratory for Molecular Medicine, Mass General Brigham Personalized Medicine
Classification: Benign. Last evaluated: 2016-03-29. Review status: criteria provided, single submitter. Criteria: LMM Criteria. Collection method: clinical testing. Allele origin: germline.
Comment: Variant identified in a genome or exome case(s) and assessed due to predicted null impact of the variant or pathogenic assertions in the literature or databases. Disclaimer: This variant has not undergone full assessment. The following are preliminary notes: Frequency

Breakthrough Genomics
Classification: Benign. Review status: criteria provided, single submitter. Criteria: ACMG Guidelines, 2015. Collection method: not provided. Allele origin: germline. Inheritance: Unknown mechanism. Affected: yes.